The following is an entry in ClinVar:

ClinVar aggregate classification (germline): Uncertain significance. Review status: criteria provided, multiple submitters, no conflicts (2 of 4 stars). 3 submissions from 3 submitters: Uncertain significance (3). Last evaluated 2025-03-30.

Conditions:
Microcephaly 17, primary, autosomal recessive (MCPH17). Identifiers: Orphanet 2512, MedGen C4310723, MONDO:0014908, OMIM 617090.
Inborn genetic diseases. Identifiers: MedGen C0950123, MeSH D030342.

Allele frequency attached by ClinVar (database versions not stated): ExAC 0.00003; gnomAD exomes 0.00005 and 0.00006; gnomAD 0.00007; TOPMed 0.00007; 1000 Genomes Project 0.00020; 1000 Genomes Project 30x 0.00031.
gnomAD v4.1: 96 of 1,613,982 alleles (0.0059%); highest among the groups gnomAD compares: East Asian, 0.0089%; no homozygotes.

Submissions (3):

Ambry Genetics
Classification: Uncertain significance for Inborn genetic diseases. Last evaluated: 2025-03-30. Review status: criteria provided, single submitter. Criteria: Ambry Variant Classification Scheme 2023. Collection method: clinical testing. Allele origin: germline.

Revvity Omics, Revvity
Classification: Uncertain significance for Microcephaly 17, primary, autosomal recessive. Last evaluated: 2020-03-19. Review status: criteria provided, single submitter. Criteria: ACMG Guidelines, 2015. Collection method: clinical testing. Allele origin: germline.

GeneDx
Classification: Uncertain significance. Last evaluated: 2019-08-09. Review status: criteria provided, single submitter. Criteria: GeneDx Variant Classification Process June 2021. Collection method: clinical testing. Allele origin: germline. Affected: yes.
Comment: Not observed at a significant frequency in large population cohorts (Lek et al., 2016); In silico analysis, which includes protein predictors and evolutionary conservation, supports that this variant does not alter protein structure/function; Has not been previously published as pathogenic or benign to our knowledge

NM_001206999.2(CIT):c.3271G>A (p.Val1091Ile)

Gene: CIT (citron rho-interacting serine/threonine kinase; minus strand). Cytogenetic location: 12q24.23.
Variant type: single nucleotide variant.
Coding change: c.3271G>A on transcript NM_001206999.2 (MANE Select); coding-DNA position 3271, G replaced by A.
Protein change: p.Val1091Ile; replaces valine 1091 with isoleucine.
Molecular consequence: missense variant.
Genome position (GRCh38, 1-based): chr12:119,734,243, C>T on the plus strand (G>A on the coding strand, the complement: CIT is on the minus strand). VCF-style: chr12-119734243-C-T. GRCh37 (hg19) VCF-style: chr12-120172048-C-T.
Other names: c.3145G>A, p.Val1049Ile (NM_007174.3); short protein forms V1049I, V1091I.
Identifiers: ClinVar variation 1183275 (VCV001183275.6), dbSNP rs200184645, ClinGen allele CA6821557.